The following is an entry in ClinVar:

NM_005560.6(LAMA5):c.7836G>A (p.Gln2612=)

Gene: LAMA5 (laminin subunit alpha 5; minus strand). Cytogenetic location: 20q13.33.
Variant type: single nucleotide variant.
Coding change: c.7836G>A on transcript NM_005560.6 (MANE Select); coding-DNA position 7836, G replaced by A.
Protein change: p.Gln2612=; no amino-acid change (glutamine 2612 retained).
Molecular consequence: synonymous variant.
Genome position (GRCh38, 1-based): chr20:62,315,979, C>T on the plus strand (G>A on the coding strand, the complement: LAMA5 is on the minus strand). VCF-style: chr20-62315979-C-T. GRCh37 (hg19) VCF-style: chr20-60891035-C-T.
Identifiers: ClinVar variation 4085505 (VCV004085505.8).
Genomic context (GRCh38, chr20:62,315,979, plus strand): 5'-TGCGAGAGCCGGGCCCAGGCTCCGCATACCTGTGTCCATGGCAAGCATGGCCTGCGCCGC[C>T]TGGATGTGCGCCTCCAGCTGGTCCTTCTTGGCCCGGACATCTCGGAGCTGGGTCCTGGCA-3'
Protein context (NP_005551.3, residues 2602-2622): AKKDQLEAHI[Gln2612=]AAQAMLAMDT

ClinVar aggregate classification (germline): Likely benign (1 of 4 stars; one submission).

gnomAD v4.1: 12 of 1,607,552 alleles (0.00075%); highest among the groups gnomAD compares: Non-Finnish European, 0.001%; no homozygotes.

Submission:

CeGaT Center for Human Genetics Tuebingen
Classification: Likely benign. Last evaluated: 2025-07-01. Review status: criteria provided, single submitter. Criteria: CeGaT Center For Human Genetics Tuebingen Variant Classification Criteria Version 2. Collection method: clinical testing. Allele origin: germline. Affected: yes. Observed: 1 variant allele.
Comment: LAMA5: BP4, BP7